The following is an entry in ClinVar:

ClinVar aggregate classification (germline): Pathogenic (1 of 4 stars; one submission).

Conditions:
Primary ciliary dyskinesia 3. Identifiers: Orphanet 244, MedGen C1837618, MONDO:0012085, OMIM 608644.

Submission:

Myriad Genetics, Inc.
Classification: Pathogenic for Primary ciliary dyskinesia 3. Last evaluated: 2024-10-31. Review status: criteria provided, single submitter. Criteria: Myriad Autosomal Dominant, Autosomal Recessive and X-Linked Classification Criteria (2023). Collection method: clinical testing. Allele origin: unknown.
Comment: NM_001369.2(DNAH5):c.8916_8917ins5(A2973Hfs*12) is expected to be pathogenic in the context of primary ciliary dyskinesia, DNAH5-related. This variant is predicted to lead to an abnormal or absent protein product due to the creation of a premature termination codon in DNAH5, a gene where loss-of-function variants are known to be pathogenic. Please note: this variant was assessed in the context of healthy population screening.

NM_001369.3(DNAH5):c.8916_8917insCATTT (p.Ala2973fs)

Gene: DNAH5 (dynein axonemal heavy chain 5; minus strand). Cytogenetic location: 5p15.2.
Variant type: Insertion.
Coding change: c.8916_8917insCATTT on transcript NM_001369.3 (MANE Select); coding-DNA positions 8916 to 8917, CATTT inserted.
Protein change: p.Ala2973fs; shifts the reading frame from alanine 2973.
Molecular consequence: frameshift variant.
Genome position: GRCh38 VCF-style: chr5-13780863-C-CAAATG. GRCh37 (hg19) VCF-style: chr5-13780972-C-CAAATG.
Other names: short protein forms A2973fs.
Identifiers: ClinVar variation 5013690 (VCV005013690.1).